The following is an entry in ClinVar:

NM_001105206.3(LAMA4):c.4210A>G (p.Ile1404Val)

Gene: LAMA4 (laminin subunit alpha 4; minus strand). Cytogenetic location: 6q21.
Variant type: single nucleotide variant.
Coding change: c.4210A>G on transcript NM_001105206.3 (MANE Select); coding-DNA position 4210, A replaced by G.
Protein change: p.Ile1404Val; replaces isoleucine 1404 with valine.
Molecular consequence: missense variant.
Genome position (GRCh38, 1-based): chr6:112,128,999, T>C on the plus strand (A>G on the coding strand, the complement: LAMA4 is on the minus strand). VCF-style: chr6-112128999-T-C. GRCh37 (hg19) VCF-style: chr6-112450201-T-C.
Other names: c.4189A>G, p.Ile1397Val (NM_001105207.3, NM_002290.5); short protein forms I1404V, I1397V.
Identifiers: ClinVar variation 5023468 (VCV005023468.1).
Genomic context (GRCh38, chr6:112,128,999, plus strand): 5'-CTTTAGGCTTGGATAAATTTTTTCCTTTTTTATGGAGGAGAAACAATGGTGAAGACTCAA[T>C]GGGACACTCATAAAGAGAAGTGTGGACCTTTTCAGTATACCGTTGGAAATCTTCAACCTC-3'
Protein context (NP_001098676.2, residues 1394-1414): KVHTSLYECP[Ile1404Val]ESSPLFLLHK

ClinVar aggregate classification (germline): Uncertain significance (1 of 4 stars; one submission).

Conditions:
Cardiovascular phenotype. Identifiers: MedGen CN230736.

gnomAD v4.1: 1 of 1,612,746 alleles (0.000062%); highest among the groups gnomAD compares: Non-Finnish European, 0.000085%; no homozygotes.

Submission:

Ambry Genetics
Classification: Uncertain significance for Cardiovascular phenotype. Last evaluated: 2026-08-16. Review status: criteria provided, single submitter. Criteria: Ambry Variant Classification Scheme 2023. Collection method: clinical testing. Allele origin: germline.
Comment: The p.I1397V variant (also known as c.4189A>G), located in coding exon 30 of the LAMA4 gene, results from an A to G substitution at nucleotide position 4189. The isoleucine at codon 1397 is replaced by valine, an amino acid with highly similar properties. This amino acid position is conserved. In addition, this alteration is predicted to be tolerated by in silico analysis. Based on the available evidence, the clinical significance of this variant remains unclear.